The following is an entry in ClinVar:

NM_001134407.3(GRIN2A):c.2117C>T (p.Thr706Ile)

Gene: GRIN2A (glutamate ionotropic receptor NMDA type subunit 2A; minus strand). Cytogenetic location: 16p13.2.
Variant type: single nucleotide variant.
Coding change: c.2117C>T on transcript NM_001134407.3 (MANE Select); coding-DNA position 2117, C replaced by T.
Protein change: p.Thr706Ile; replaces threonine 706 with isoleucine.
Molecular consequence: missense variant.
Genome position (GRCh38, 1-based): chr16:9,822,315, G>A on the plus strand (C>T on the coding strand, the complement: GRIN2A is on the minus strand). VCF-style: chr16-9822315-G-A. GRCh37 (hg19) VCF-style: chr16-9916172-G-A.
Other names: c.2117C>T, p.Thr706Ile (NM_000833.5, NM_001134408.2); short protein forms T706I.
Identifiers: ClinVar variation 2082433 (VCV002082433.5), dbSNP rs1423127538, ClinGen allele CA394797757.

ClinVar aggregate classification (germline): Uncertain significance. Review status: criteria provided, multiple submitters, no conflicts (2 of 4 stars). 2 submissions from 2 submitters: Uncertain significance (2). Last evaluated 2024-12-19.

Conditions:
Landau-Kleffner syndrome (FESD). Also called: EPILEPSY, FOCAL, WITH SPEECH DISORDER AND WITH OR WITHOUT MENTAL RETARDATION; APHASIA, ACQUIRED, WITH EPILEPSY. Identifiers: Orphanet 1945, Orphanet 725, Orphanet 98818, MedGen C0282512, MONDO:0009509, OMIM 245570.

Allele frequency attached by ClinVar (database versions not stated): gnomAD exomes below 0.00001; gnomAD 0.00001.
gnomAD v4.1: 2 of 1,612,624 alleles (0.00012%); highest among the groups gnomAD compares: African/African-American, 0.0027%; no homozygotes.

Submissions (2):

Genomic Medicine Center of Excellence, King Faisal Specialist Hospital and Research Centre
Classification: Uncertain significance for Landau-Kleffner syndrome. Last evaluated: 2024-12-19. Review status: criteria provided, single submitter. Criteria: ACMG Guidelines, 2015. Collection method: clinical testing. Allele origin: germline.

Labcorp Genetics (formerly Invitae), Labcorp
Classification: Uncertain significance for Landau-Kleffner syndrome. Last evaluated: 2022-03-15. Review status: criteria provided, single submitter. Criteria: Invitae Variant Classification Sherloc (09022015). Collection method: clinical testing. Allele origin: germline.
Comment: In summary, the available evidence is currently insufficient to determine the role of this variant in disease. Therefore, it has been classified as a Variant of Uncertain Significance. Advanced modeling of protein sequence and biophysical properties (such as structural, functional, and spatial information, amino acid conservation, physicochemical variation, residue mobility, and thermodynamic stability) performed at Invitae indicates that this missense variant is not expected to disrupt GRIN2A protein function. This variant has not been reported in the literature in individuals affected with GRIN2A-related conditions. This variant is present in population databases (no rsID available, gnomAD 0.007%). This sequence change replaces threonine, which is neutral and polar, with isoleucine, which is neutral and non-polar, at codon 706 of the GRIN2A protein (p.Thr706Ile).